The following is an entry in ClinVar:

ClinVar aggregate classification (germline): Uncertain significance (1 of 4 stars; one submission).

Conditions:
GLI2-related disorder. Also called: GLI2-related condition; GLI2-related disorders.

Submission:

PreventionGenetics, part of Exact Sciences
Classification: Uncertain significance for GLI2-related condition. Last evaluated: 2025-11-25. Review status: criteria provided, single submitter. Criteria: ACMG Guidelines, 2015. Collection method: clinical testing. Allele origin: germline.
Comment: The GLI2 c.86G>A variant is predicted to result in the amino acid substitution p.Gly29Asp. To our knowledge, this variant has not been reported in the literature. This variant is reported in 0.048% of alleles in individuals of Ashkenazi Jewish descent in gnomAD. At this time, the clinical significance of this variant is uncertain due to the absence of conclusive functional and genetic evidence.

NM_001374353.1(GLI2):c.86G>A (p.Gly29Asp)

Gene: GLI2 (GLI family zinc finger 2; plus strand). Cytogenetic location: 2q14.2.
Variant type: single nucleotide variant.
Coding change: c.86G>A on transcript NM_001374353.1 (MANE Select); coding-DNA position 86, G replaced by A.
Protein change: p.Gly29Asp; replaces glycine 29 with aspartic acid.
Molecular consequence: missense variant. On other transcripts: 5 prime UTR variant (1).
Genome position (GRCh38, 1-based): chr2:120,797,406, G>A. VCF-style: chr2-120797406-G-A. GRCh37 (hg19) VCF-style: chr2-121554982-G-A.
Other names: c.86G>A, p.Gly29Asp (NM_001371271.1, NM_005270.5); c.-184G>A (NM_001374354.1); short protein forms G29D.
Identifiers: ClinVar variation 4981225 (VCV004981225.1).
Genomic context (GRCh38, chr2:120,797,406, plus strand): 5'-CCTCCGAGAAGCAAGAAGCCAAAAGTGGGATCCTGGAGGCCGCTGGCTTCCCCGACCCGG[G>A]TAAAAAGGCCTCTCCTTTGGTGGTGGCTGCAGCGGCAGCAGCAGCGGTAGCTGCCCAAGG-3'
Protein context (NP_001361282.1, residues 19-39): ILEAAGFPDP[Gly29Asp]KKASPLVVAA